The following is an entry in ClinVar:

ClinVar aggregate classification (germline): Uncertain significance (1 of 4 stars; one submission).

Submission:

CeGaT Center for Human Genetics Tuebingen
Classification: Uncertain significance. Last evaluated: 2024-03-01. Review status: criteria provided, single submitter. Criteria: CeGaT Center For Human Genetics Tuebingen Variant Classification Criteria Version 2. Collection method: clinical testing. Allele origin: germline. Affected: yes. Observed: 1 variant allele.
Comment: SIM1: PM2, PM3:Supporting

NM_005068.3(SIM1):c.1162C>T (p.Pro388Ser)

Genes: SIM1 (SIM bHLH transcription factor 1; minus strand), SIM1-AS1 (SIM1 antisense RNA 1; plus strand). Cytogenetic location: 6q16.3.
Variant type: single nucleotide variant.
Coding change: c.1162C>T on transcript NM_005068.3 (MANE Select); coding-DNA position 1162, C replaced by T.
Protein change: p.Pro388Ser; replaces proline 388 with serine.
Molecular consequence: missense variant.
Genome position (GRCh38, 1-based): chr6:100,420,795, G>A on the plus strand (C>T on the coding strand, the complement: SIM1 is on the minus strand). VCF-style: chr6-100420795-G-A. GRCh37 (hg19) VCF-style: chr6-100868671-G-A.
Other names: c.1162C>T, p.Pro388Ser (NM_001374769.1); short protein forms P388S.
Identifiers: ClinVar variation 3234513 (VCV003234513.20), dbSNP rs1166667647, ClinGen allele CA365113343.